The following is an entry in ClinVar:

NM_007294.4(BRCA1):c.4987-1G>T

Gene: BRCA1 (BRCA1 DNA repair associated; minus strand). Cytogenetic location: 17q21.31.
Variant type: single nucleotide variant.
Coding change: c.4987-1G>T on transcript NM_007294.4 (MANE Select); the canonical splice acceptor site of the intron before coding-DNA position 4987, G replaced by T.
Molecular consequence: splice acceptor variant. On other transcripts: intron variant (1).
Genome position (GRCh38, 1-based): chr17:43,067,696, C>A on the plus strand (G>T on the coding strand, the complement: BRCA1 is on the minus strand). VCF-style: chr17-43067696-C-A. GRCh37 (hg19) VCF-style: chr17-41219713-C-A.
Other names: c.4525-1G>T (NM_001407964.1); c.4840-1G>T (NM_001407844.1, NM_001407851.1, NM_001407849.1 and 12 more transcripts); c.4843-1G>T (NM_001407743.1, NM_001407735.1, NM_001407744.1 and 21 more transcripts); c.4717-1G>T (NM_001407935.1, NM_001407936.1, NM_001407934.1); c.4723-1G>T (NM_001407926.1, NM_001407924.1, NM_001407920.1 and 4 more transcripts); c.4846-1G>T (NM_001407729.1, NM_001407698.1, NM_001407942.1 and 13 more transcripts); c.4774-1G>T (NM_001407899.1, NM_001407895.1, NM_001407910.1 and 12 more transcripts); c.1348-1G>T (NM_001408507.1); and 71 more.
Identifiers: ClinVar variation 267565 (VCV000267565.6), dbSNP rs730881495, ClinGen allele CA10591545.

ClinVar aggregate classification (germline): Pathogenic (1 of 4 stars; one submission).

Conditions:
Breast-ovarian cancer, familial, susceptibility to, 1 (BROVCA1). Also called: BRCA1 Hereditary Breast and Ovarian Cancer; OVARIAN CANCER, SUSCEPTIBILITY TO. Identifiers: Orphanet 145, MedGen C2676676, MONDO:0011450, OMIM 604370. Disease mechanism: loss of function.

Allele frequency attached by ClinVar (database versions not stated): gnomAD exomes below 0.00001.
gnomAD v4.1: 1 of 1,609,052 alleles (0.000062%); highest among the groups gnomAD compares: Non-Finnish European, 0.000085%; no homozygotes.

Submissions (2):

Consortium of Investigators of Modifiers of BRCA1/2 (CIMBA), c/o University of Cambridge
Classification: Pathogenic for Breast-ovarian cancer, familial, susceptibility to, 1. Last evaluated: 2015-10-02. Review status: criteria provided, single submitter. Criteria: CIMBA Mutation Classification guidelines May 2016. Collection method: clinical testing. Allele origin: germline.

Brotman Baty Institute, University of Washington
No classification provided (evidence only). Condition: Breast-ovarian cancer, familial 1. Review status: no classification provided. Collection method: in vitro. Allele origin: not applicable. Functional consequence: functionally_abnormal. Not counted in ClinVar's aggregate classification.
ClinVar note: "not provided" was previously submitted as the classification for the variant. However, the classification appeared to be based only on an observation of functional data so it was converted to no classification on 2025-07-30.